The following is an entry in ClinVar:

ClinVar aggregate classification (germline): Uncertain significance (1 of 4 stars; one submission).

Conditions:
Neuropathy, hereditary sensory and autonomic, type 2A (HSAN2A). Also called: ACROOSTEOLYSIS, GIACCAI TYPE; ACROOSTEOLYSIS, NEUROGENIC; MORVAN DISEASE; NEUROPATHY, CONGENITAL SENSORY; NEUROPATHY, HEREDITARY SENSORY RADICULAR, AUTOSOMAL RECESSIVE; NEUROPATHY, HEREDITARY SENSORY, TYPE IIA. Identifiers: Orphanet 970, MedGen C2752089, MONDO:0024309, OMIM 201300.
Generalized epilepsy with febrile seizures plus, type 7 (GEFSP7). Also called: GEFS+, TYPE 7. Identifiers: Orphanet 36387, MedGen C2751778, MONDO:0013470, OMIM 613863.

Submission:

Labcorp Genetics (formerly Invitae), Labcorp
Classification: Uncertain significance for Neuropathy, hereditary sensory and autonomic, type 2A; Generalized epilepsy with febrile seizures plus, type 7. Last evaluated: 2023-05-19. Review status: criteria provided, single submitter. Criteria: Invitae Variant Classification Sherloc (09022015). Collection method: clinical testing. Allele origin: germline.
Comment: In summary, the available evidence is currently insufficient to determine the role of this variant in disease. Therefore, it has been classified as a Variant of Uncertain Significance. Algorithms developed to predict the effect of sequence changes on RNA splicing suggest that this variant may disrupt the consensus splice site. Advanced modeling of protein sequence and biophysical properties (such as structural, functional, and spatial information, amino acid conservation, physicochemical variation, residue mobility, and thermodynamic stability) has been performed at Invitae for this missense variant, however the output from this modeling did not meet the statistical confidence thresholds required to predict the impact of this variant on SCN9A protein function. This variant has not been reported in the literature in individuals affected with SCN9A-related conditions. This variant is not present in population databases (gnomAD no frequency). This sequence change replaces arginine, which is basic and polar, with serine, which is neutral and polar, at codon 185 of the SCN9A protein (p.Arg185Ser).

NM_001365536.1(SCN9A):c.553C>A (p.Arg185Ser)

Gene: SCN9A (sodium voltage-gated channel alpha subunit 9; minus strand). Cytogenetic location: 2q24.3.
Variant type: single nucleotide variant.
Coding change: c.553C>A on transcript NM_001365536.1 (MANE Select); coding-DNA position 553, C replaced by A.
Protein change: p.Arg185Ser; replaces arginine 185 with serine.
Molecular consequence: missense variant.
Genome position (GRCh38, 1-based): chr2:166,305,835, G>T on the plus strand (C>A on the coding strand, the complement: SCN9A is on the minus strand). VCF-style: chr2-166305835-G-T. GRCh37 (hg19) VCF-style: chr2-167162345-G-T.
Other names: c.553C>A, p.Arg185Ser (NM_002977.4); short protein forms R185S.
Identifiers: ClinVar variation 2937788 (VCV002937788.3), dbSNP rs202083986, ClinGen allele CA59809255.